The following is an entry in ClinVar:

ClinVar aggregate classification (germline): Pathogenic (1 of 4 stars; one submission).

Conditions:
Duchenne muscular dystrophy (DMD). Also called: Duchenne Muscular Dystrophy (DMD); MUSCULAR DYSTROPHY, PSEUDOHYPERTROPHIC PROGRESSIVE, DUCHENNE TYPE. Identifiers: Orphanet 98896, MedGen C0013264, MONDO:0010679, OMIM 310200.

Submission:

Labcorp Genetics (formerly Invitae), Labcorp
Classification: Pathogenic for Duchenne muscular dystrophy. Last evaluated: 2021-08-12. Review status: criteria provided, single submitter. Criteria: Invitae Variant Classification Sherloc (09022015). Collection method: clinical testing. Allele origin: germline.
Comment: This variant results in a copy number gain of the genomic region encompassing exon(s) 14-17 of the DMD gene. While the exact position of this variant cannot be determined from the data, sub-genic copy number gains are generally in tandem (PMID: 25640679). This variant is predicted to be out-of-frame, and may result in an absent or disrupted protein product. Loss-of-function variants in DMD are known to be pathogenic (PMID: 16770791, 25007885). A similar copy number variant has been observed in individuals with DMD-related dystrophinopathies (PMID: 16917894, 18752307). For these reasons, this variant has been classified as Pathogenic.

Literature cited by the submitters: PubMed 25640679; PubMed 16770791; PubMed 25007885; PubMed 16917894; PubMed 18752307.

NC_000023.11:g.(?_32545149)_(32573856_?)dup

Gene: DMD (dystrophin; minus strand). Cytogenetic location: Xp21.1.
Variant type: Duplication.
Identifiers: ClinVar variation 831132 (VCV000831132.7).